The following is an entry in ClinVar:

ClinVar aggregate classification (germline): Uncertain significance (1 of 4 stars; one submission).

Submission:

Labcorp Genetics (formerly Invitae), Labcorp
Classification: Uncertain significance. Last evaluated: 2025-09-06. Review status: criteria provided, single submitter. Criteria: Invitae Variant Classification Sherloc (09022015). Collection method: clinical testing. Allele origin: germline.
Comment: This sequence change replaces glutamine, which is neutral and polar, with glutamic acid, which is acidic and polar, at codon 1159 of the DCHS1 protein (p.Gln1159Glu). This variant is not present in population databases (gnomAD no frequency). This variant has not been reported in the literature in individuals affected with DCHS1-related conditions. Invitae Evidence Modeling of protein sequence and biophysical properties (such as structural, functional, and spatial information, amino acid conservation, physicochemical variation, residue mobility, and thermodynamic stability) indicates that this missense variant is not expected to disrupt DCHS1 protein function with a negative predictive value of 80%. In summary, the available evidence is currently insufficient to determine the role of this variant in disease. Therefore, it has been classified as a Variant of Uncertain Significance.

NM_003737.4(DCHS1):c.3475C>G (p.Gln1159Glu)

Gene: DCHS1 (dachsous cadherin-related 1; minus strand). Cytogenetic location: 11p15.4.
Variant type: single nucleotide variant.
Coding change: c.3475C>G on transcript NM_003737.4 (MANE Select); coding-DNA position 3475, C replaced by G.
Protein change: p.Gln1159Glu; replaces glutamine 1159 with glutamic acid.
Molecular consequence: missense variant.
Genome position (GRCh38, 1-based): chr11:6,632,037, G>C on the plus strand (C>G on the coding strand, the complement: DCHS1 is on the minus strand). VCF-style: chr11-6632037-G-C. GRCh37 (hg19) VCF-style: chr11-6653268-G-C.
Other names: short protein forms Q1159E.
Identifiers: ClinVar variation 4744174 (VCV004744174.1).